The following is an entry in ClinVar:

NM_000211.5(ITGB2):c.634A>G (p.Asn212Asp)

Gene: ITGB2 (integrin subunit beta 2; minus strand). Cytogenetic location: 21q22.3.
Variant type: single nucleotide variant.
Coding change: c.634A>G on transcript NM_000211.5 (MANE Select); coding-DNA position 634, A replaced by G.
Protein change: p.Asn212Asp; replaces asparagine 212 with aspartic acid.
Molecular consequence: missense variant.
Genome position (GRCh38, 1-based): chr21:44,901,599, T>C on the plus strand (A>G on the coding strand, the complement: ITGB2 is on the minus strand). VCF-style: chr21-44901599-T-C. GRCh37 (hg19) VCF-style: chr21-46321514-T-C.
Other names: c.634A>G, p.Asn212Asp (NM_001127491.3); c.427A>G, p.Asn143Asp (NM_001303238.2); short protein forms N143D, N212D.
Identifiers: ClinVar variation 948669 (VCV000948669.9), dbSNP rs376609171, ClinGen allele CA10063143.
Genomic context (GRCh38, chr21:44,901,599, plus strand): 5'-CATCCAGGTTTCCGGAAATCAGCTGCTTCCCGACCTCGGTCTGAAACTGGTTGGAGTTGT[T>C]GGTCAGCTTCAGCACGTGCCTGAAGGCAAACGGGGGCTGGCACTCTTTCTCCTTGTTGGG-3'
Protein context (NP_000202.3, residues 202-222): FAFRHVLKLT[Asn212Asp]NSNQFQTEVG

ClinVar aggregate classification (germline): Uncertain significance (1 of 4 stars; one submission).

Conditions:
Leukocyte adhesion deficiency 1 (LAD1). Also called: LEUKOCYTE ADHESION DEFICIENCY, TYPE I; LAD 1; Lymphocyte function-associated antigen 1 immunodeficiency; LFA 1 immunodeficiency. Identifiers: Orphanet 2968, Orphanet 99842, MedGen C0398738, MONDO:0007293, OMIM 116920.

Allele frequency attached by ClinVar (database versions not stated): gnomAD exomes 0.00001; TOPMed 0.00001; gnomAD 0.00002; ExAC 0.00003; ESP Exome Variant Server 0.00008.
gnomAD v4.1: 14 of 1,614,158 alleles (0.00087%); highest among the groups gnomAD compares: Non-Finnish European, 0.0012%; no homozygotes.

Submission:

Labcorp Genetics (formerly Invitae), Labcorp
Classification: Uncertain significance for Leukocyte adhesion deficiency 1. Last evaluated: 2019-06-04. Review status: criteria provided, single submitter. Criteria: Invitae Variant Classification Sherloc (09022015). Collection method: clinical testing. Allele origin: germline.
Comment: Algorithms developed to predict the effect of missense changes on protein structure and function output the following: SIFT: "Tolerated"; PolyPhen-2: "Benign"; Align-GVGD: "Class C0". The aspartic acid amino acid residue is found in multiple mammalian species, suggesting that this missense change does not adversely affect protein function. These predictions have not been confirmed by published functional studies and their clinical significance is uncertain. In summary, the available evidence is currently insufficient to determine the role of this variant in disease. Therefore, it has been classified as a Variant of Uncertain Significance. This variant has not been reported in the literature in individuals with ITGB2-related conditions. This variant is present in population databases (rs376609171, ExAC 0.006%). This sequence change replaces asparagine with aspartic acid at codon 212 of the ITGB2 protein (p.Asn212Asp). The asparagine residue is weakly conserved and there is a small physicochemical difference between asparagine and aspartic acid.